The following is an entry in ClinVar:

NM_001367493.1(ARHGEF4):c.3615G>A (p.Ala1205=)

Gene: ARHGEF4 (Rho guanine nucleotide exchange factor 4; plus strand). Cytogenetic location: 2q21.1.
Variant type: single nucleotide variant.
Coding change: c.3615G>A on transcript NM_001367493.1 (MANE Select); coding-DNA position 3615, G replaced by A.
Protein change: p.Ala1205=; no amino-acid change (alanine 1205 retained).
Molecular consequence: synonymous variant. On other transcripts: intron variant (1).
Genome position (GRCh38, 1-based): chr2:130,931,014, G>A. VCF-style: chr2-130931014-G-A. GRCh37 (hg19) VCF-style: chr2-131688587-G-A.
Other names: c.102G>A, p.Ala34= (NM_001375900.1); c.57G>A, p.Ala19= (NM_015320.4); c.22+35G>A (NM_001375901.1).
Identifiers: ClinVar variation 3058950 (VCV003058950.2), dbSNP rs6718816, ClinGen allele CA1874858.
Genomic context (GRCh38, chr2:130,931,014, plus strand): 5'-CCACATGCCCTGGGAAGAACCAGCAGGTGAGAAGCCCAGTTGCTCTCACAGTCAGAAGGC[G>A]TTCCACATGGAGCCTGCCCAGAAGCCCTGCTTCACCACTGACATGGTGACATGGGCCCTC-3'
Protein context (NP_001354422.1, residues 1195-1215): EKPSCSHSQK[Ala1205=]FHMEPAQKPC

ClinVar aggregate classification (germline): Benign (0 of 4 stars; one submission).

Conditions:
ARHGEF4-related disorder. Also called: ARHGEF4-related condition.

Allele frequency attached by ClinVar (database versions not stated): TOPMed 0.23332; ESP Exome Variant Server 0.24796; 1000 Genomes Project 0.25739; 1000 Genomes Project 30x 0.25953.
gnomAD v4.1: 308,350 of 1,613,538 alleles (19%); highest among the groups gnomAD compares: African/African-American, 39%; 32,266 homozygotes.

Submission:

PreventionGenetics, part of Exact Sciences
Classification: Benign for ARHGEF4-related condition. Last evaluated: 2019-10-24. Review status: no assertion criteria provided. Collection method: clinical testing. Allele origin: germline.
Comment: This variant is classified as benign based on ACMG/AMP sequence variant interpretation guidelines (Richards et al. 2015 PMID: 25741868, with internal and published modifications).